The following is an entry in ClinVar:

ClinVar aggregate classification (germline): Uncertain significance (1 of 4 stars; one submission).

Submission:

Ambry Genetics
Classification: Uncertain significance. Last evaluated: 2026-04-28. Review status: criteria provided, single submitter. Criteria: Ambry Variant Classification Scheme 2023. Collection method: clinical testing. Allele origin: germline.
Comment: The p.L225Q variant (also known as c.674T>A), located in coding exon 7 of the SRP72 gene, results from a T to A substitution at nucleotide position 674. The leucine at codon 225 is replaced by glutamine, an amino acid with dissimilar properties. This amino acid position is conserved. In addition, this alteration is predicted to be deleterious by in silico analysis. Based on the available evidence, the clinical significance of this variant remains unclear.

NM_006947.4(SRP72):c.674T>A (p.Leu225Gln)

Gene: SRP72 (signal recognition particle 72; plus strand). Cytogenetic location: 4q12.
Variant type: single nucleotide variant.
Coding change: c.674T>A on transcript NM_006947.4 (MANE Select); coding-DNA position 674, T replaced by A.
Protein change: p.Leu225Gln; replaces leucine 225 with glutamine.
Molecular consequence: missense variant. On other transcripts: non-coding transcript variant (1), intron variant (1).
Genome position (GRCh38, 1-based): chr4:56,478,410, T>A. VCF-style: chr4-56478410-T-A. GRCh37 (hg19) VCF-style: chr4-57344576-T-A.
Other names: c.642+1708T>A (NM_001267722.2); short protein forms L225Q.
Identifiers: ClinVar variation 4865135 (VCV004865135.1).